The following is an entry in ClinVar:

NM_004863.4(SPTLC2):c.300C>A (p.His100Gln)

Gene: SPTLC2 (serine palmitoyltransferase long chain base subunit 2; minus strand). Cytogenetic location: 14q24.3.
Variant type: single nucleotide variant.
Coding change: c.300C>A on transcript NM_004863.4 (MANE Select); coding-DNA position 300, C replaced by A.
Protein change: p.His100Gln; replaces histidine 100 with glutamine.
Molecular consequence: missense variant.
Genome position (GRCh38, 1-based): chr14:77,597,213, G>T on the plus strand (C>A on the coding strand, the complement: SPTLC2 is on the minus strand). VCF-style: chr14-77597213-G-T. GRCh37 (hg19) VCF-style: chr14-78063556-G-T.
Other names: short protein forms H100Q.
Identifiers: ClinVar variation 4747864 (VCV004747864.1).

ClinVar aggregate classification (germline): Uncertain significance (1 of 4 stars; one submission).

Conditions:
Neuropathy, hereditary sensory and autonomic, type 1C. Also called: HSAN IC; HSN IC. Identifiers: Orphanet 36386, MedGen C3150896, MONDO:0013337, OMIM 613640.

gnomAD v4.1: 4 of 1,614,070 alleles (0.00025%); highest among the groups gnomAD compares: East Asian, 0.0089%; no homozygotes.

Submission:

Labcorp Genetics (formerly Invitae), Labcorp
Classification: Uncertain significance for Neuropathy, hereditary sensory and autonomic, type 1C. Last evaluated: 2026-01-06. Review status: criteria provided, single submitter. Criteria: Invitae Variant Classification Sherloc (09022015). Collection method: clinical testing. Allele origin: germline.
Comment: This sequence change replaces histidine, which is basic and polar, with glutamine, which is neutral and polar, at codon 100 of the SPTLC2 protein (p.His100Gln). This variant is present in population databases (no rsID available, gnomAD 0.006%). This variant has not been reported in the literature in individuals affected with SPTLC2-related conditions. Invitae Evidence Modeling of protein sequence and biophysical properties (such as structural, functional, and spatial information, amino acid conservation, physicochemical variation, residue mobility, and thermodynamic stability) has been performed for this missense variant. However, the output from this modeling did not meet the statistical confidence thresholds required to predict the impact of this variant on SPTLC2 protein function. In summary, the available evidence is currently insufficient to determine the role of this variant in disease. Therefore, it has been classified as a Variant of Uncertain Significance.